The following is an entry in ClinVar:

ClinVar aggregate classification (germline): Uncertain significance (1 of 4 stars; one submission).

Conditions:
Primary ciliary dyskinesia 28. Also called: CILIARY DYSKINESIA, PRIMARY, 28, WITH OR WITHOUT SITUS INVERSUS. Identifiers: Orphanet 244, MedGen C3809706, MONDO:0014216, OMIM 615505.

Allele frequency attached by ClinVar (database versions not stated): ExAC 0.00001; gnomAD 0.00001; TOPMed 0.00001; gnomAD exomes 0.00002.
gnomAD v4.1: 30 of 1,591,958 alleles (0.0019%); highest among the groups gnomAD compares: Non-Finnish European, 0.0025%; no homozygotes.

Submission:

Labcorp Genetics (formerly Invitae), Labcorp
Classification: Uncertain significance for Primary ciliary dyskinesia 28. Last evaluated: 2021-09-04. Review status: criteria provided, single submitter. Criteria: Invitae Variant Classification Sherloc (09022015). Collection method: clinical testing. Allele origin: germline.
Comment: This sequence change replaces serine with phenylalanine at codon 326 of the SPAG1 protein (p.Ser326Phe). The serine residue is weakly conserved and there is a large physicochemical difference between serine and phenylalanine. This variant is present in population databases (rs777488014, ExAC 0.002%). This variant has not been reported in the literature in individuals affected with SPAG1-related conditions. Algorithms developed to predict the effect of missense changes on protein structure and function (SIFT, PolyPhen-2, Align-GVGD) all suggest that this variant is likely to be tolerated. In summary, the available evidence is currently insufficient to determine the role of this variant in disease. Therefore, it has been classified as a Variant of Uncertain Significance.

NM_003114.5(SPAG1):c.977C>T (p.Ser326Phe)

Gene: SPAG1 (sperm associated antigen 1; plus strand). Cytogenetic location: 8q22.2.
Variant type: single nucleotide variant.
Coding change: c.977C>T on transcript NM_003114.5 (MANE Select); coding-DNA position 977, C replaced by T.
Protein change: p.Ser326Phe; replaces serine 326 with phenylalanine.
Molecular consequence: missense variant.
Genome position (GRCh38, 1-based): chr8:100,194,149, C>T. VCF-style: chr8-100194149-C-T. GRCh37 (hg19) VCF-style: chr8-101206377-C-T.
Other names: c.977C>T, p.Ser326Phe (NM_001374321.1, NM_172218.3); short protein forms S326F.
Identifiers: ClinVar variation 579943 (VCV000579943.6), dbSNP rs777488014, ClinGen allele CA4827416.